The following is an entry in ClinVar:

ClinVar aggregate classification (germline): Uncertain significance. Review status: criteria provided, multiple submitters, no conflicts (2 of 4 stars). 2 submissions from 2 submitters: Uncertain significance (2). Last evaluated 2025-12-16.

Allele frequency attached by ClinVar (database versions not stated): TOPMed 0.00045; ESP Exome Variant Server 0.00054; 1000 Genomes Project 30x 0.00016; ExAC 0.00011; 1000 Genomes Project 0.00020; gnomAD 0.00043; gnomAD exomes 0.00007.

Submissions (2):

Mayo Clinic Laboratories, Mayo Clinic
Classification: Uncertain significance. Last evaluated: 2025-12-16. Review status: criteria provided, single submitter. Criteria: ACMG Guidelines, 2015. Collection method: clinical testing. Allele origin: germline. Observed: 3 variant alleles.

Women's Health and Genetics/Laboratory Corporation of America, LabCorp
Classification: Uncertain significance. Last evaluated: 2023-04-13. Review status: criteria provided, single submitter. Criteria: LabCorp Variant Classification Summary - May 2015. Collection method: clinical testing. Allele origin: germline.
Comment: Variant summary: CFHR4 c.204G>A (p.Trp68X) results in a premature termination codon, predicted to cause a truncation of the encoded protein or absence of the protein due to nonsense mediated decay, however, currently available evidence is insufficient to determine whether loss-of-function variants in the CFHR4 gene can cause disease. The variant allele was found at a frequency of 0.00043 in 149854 control chromosomes, predominantly at a frequency of 0.0013 within the African or African-American subpopulation in the gnomAD database, including 2 homozygotes. To our knowledge, no occurrence of c.204G>A in individuals affected with Genetic Atypical Hemolytic Uremic Syndrome and no experimental evidence demonstrating its impact on protein function have been reported. No clinical diagnostic laboratories have submitted clinical-significance assessments for this variant to ClinVar after 2014. Based on the evidence outlined above, the variant was classified as uncertain significance.

Literature cited by the submitters: PubMed 31345219 (cited by Mayo Clinic Laboratories, Mayo Clinic).

NM_001201550.3(CFHR4):c.204G>A (p.Trp68Ter)

Gene: CFHR4 (complement factor H related 4; plus strand). Cytogenetic location: 1q31.3.
Variant type: single nucleotide variant.
Coding change: c.204G>A on transcript NM_001201550.3 (MANE Select); coding-DNA position 204, G replaced by A.
Protein change: p.Trp68Ter; replaces tryptophan 68 with a stop codon.
Molecular consequence: nonsense.
Genome position (GRCh38, 1-based): chr1:196,902,563, G>A. VCF-style: chr1-196902563-G-A. GRCh37 (hg19) VCF-style: chr1-196871693-G-A.
Other names: p.Trp67*; c.201G>A, p.Trp67Ter (NM_001201551.2); c.204G>A, p.Trp68Ter (NM_006684.5); c.204G>A (NM_001201550.2); short protein forms W67*, W68*.
Identifiers: ClinVar variation 2503967 (VCV002503967.3), dbSNP rs201480125, ClinGen allele CA1306751.